The following is an entry in ClinVar:

NM_170606.3(KMT2C):c.3989T>G (p.Leu1330Ter)

Gene: KMT2C (lysine methyltransferase 2C; minus strand). Cytogenetic location: 7q36.1.
Variant type: single nucleotide variant.
Coding change: c.3989T>G on transcript NM_170606.3 (MANE Select); coding-DNA position 3989, T replaced by G.
Protein change: p.Leu1330Ter; replaces leucine 1330 with a stop codon.
Molecular consequence: nonsense.
Genome position (GRCh38, 1-based): chr7:152,203,037, A>C on the plus strand (T>G on the coding strand, the complement: KMT2C is on the minus strand). VCF-style: chr7-152203037-A-C. GRCh37 (hg19) VCF-style: chr7-151900122-A-C.
Other names: short protein forms L1330*.
Identifiers: ClinVar variation 2237329 (VCV002237329.2), dbSNP rs1246539243, ClinGen allele CA370108017.

ClinVar aggregate classification (germline): Pathogenic (1 of 4 stars; one submission).

Conditions:
Inborn genetic diseases. Identifiers: MedGen C0950123, MeSH D030342.

Submission:

Ambry Genetics
Classification: Pathogenic for Inborn genetic diseases. Last evaluated: 2021-08-19. Review status: criteria provided, single submitter. Criteria: Ambry Variant Classification Scheme 2023. Collection method: clinical testing. Allele origin: germline.
Comment: The c.3989T>G (p.L1330*) alteration, located in exon 26 (coding exon 26) of the KMT2C gene, consists of a T to G substitution at nucleotide position 3989. This changes the amino acid from a leucine (L) to a stop codon at amino acid position 1330. This alteration is expected to result in loss of function by premature protein truncation or nonsense-mediated mRNA decay. This variant was not reported in population-based cohorts in the Genome Aggregation Database (gnomAD). Based on the available evidence, this alteration is classified as pathogenic.